The following is an entry in ClinVar:

ClinVar aggregate classification (germline): Conflicting classifications of pathogenicity. Review status: criteria provided, conflicting classifications (1 of 4 stars). 7 submissions from 7 submitters: Uncertain significance (1); Benign (1); Likely benign (5). Last evaluated 2025-12-13.

Conditions:
Cardiovascular phenotype. Identifiers: MedGen CN230736.
Autosomal recessive limb-girdle muscular dystrophy type 2J (LGMDR10). Also called: Limb-girdle muscular dystrophy, type 2J; MUSCULAR DYSTROPHY, LIMB-GIRDLE, AUTOSOMAL RECESSIVE 10. Identifiers: Orphanet 140922, MedGen C1837342, MONDO:0012127, OMIM 608807.
Dilated cardiomyopathy 1G (CMD1G). Identifiers: Orphanet 154, MedGen C1858763, MONDO:0011400, OMIM 604145.
Cardiomyopathy (CMYO). Also called: Cardiomyopathies. Identifiers: Orphanet 167848, MedGen C0878544, MONDO:0004994, HP:0001638. Inheritance: Various modes of inheritance.

Allele frequency attached by ClinVar (database versions not stated): gnomAD exomes 0.00003 and 0.00016; ExAC 0.00004; gnomAD 0.00005; TOPMed 0.00011; ESP Exome Variant Server 0.00017.
gnomAD v4.1: 236 of 1,612,176 alleles (0.015%); highest among the groups gnomAD compares: Non-Finnish European, 0.019%; no homozygotes.

Submissions (7):

Labcorp Genetics (formerly Invitae), Labcorp
Classification: Likely benign for Dilated cardiomyopathy 1G; Autosomal recessive limb-girdle muscular dystrophy type 2J. Last evaluated: 2025-12-13. Review status: criteria provided, single submitter. Criteria: Invitae Variant Classification Sherloc (09022015). Collection method: clinical testing. Allele origin: germline.

Blueprint Genetics
Classification: Likely benign. Last evaluated: 2021-07-09. Review status: criteria provided, single submitter. Criteria: ACMG Guidelines, 2015. Collection method: clinical testing. Allele origin: germline.

CHEO Genetics Diagnostic Laboratory, Children's Hospital of Eastern Ontario
Classification: Likely benign for Cardiomyopathy. Last evaluated: 2021-03-26. Review status: criteria provided, single submitter. Criteria: ACMG Guidelines, 2015. Collection method: clinical testing. Allele origin: germline.

Eurofins Ntd Llc (ga)
Classification: Uncertain significance. Last evaluated: 2017-01-30. Review status: criteria provided, single submitter. Criteria: EGL Classification Definitions 2015. Collection method: clinical testing. Allele origin: germline. Observed: 1 variant allele, 1 heterozygote.

GeneDx
Classification: Benign. Last evaluated: 2015-09-22. Review status: criteria provided, single submitter. Criteria: GeneDx Variant Classification (06012015). Collection method: clinical testing. Allele origin: germline. Affected: yes.
Comment: This variant is considered likely benign or benign based on one or more of the following criteria: it is a conservative change, it occurs at a poorly conserved position in the protein, it is predicted to be benign by multiple in silico algorithms, and/or has population frequency not consistent with disease.

Ambry Genetics
Classification: Likely benign for Cardiovascular phenotype. Last evaluated: 2013-03-18. Review status: criteria provided, single submitter. Criteria: Ambry Autosomal Dominant and X-Linked criteria (10/2015). Collection method: clinical testing. Allele origin: germline. Observed: 1 variant allele.

Laboratory for Molecular Medicine, Mass General Brigham Personalized Medicine
Classification: Likely benign. Last evaluated: 2012-01-10. Review status: criteria provided, single submitter. Criteria: LMM Criteria. Collection method: clinical testing. Allele origin: germline. Observed: 1 variant allele.
Comment: Gly14227Gly in exon 217 of TTN: This variant is not expected to have clinical si gnificance because it does not alter an amino acid residue and is not located wi thin the splice consensus sequence. This variant has been identified in 2/6652 E uropean American chromosomes from a broad, though clinically unspecified populat ion (NHLBI Exome Sequencing Project). Gly1422 7Gly in exon 217 of TTN (NHLBI Exome Seq Project; 2/6652)

NM_001267550.2(TTN):c.50385T>C (p.Gly16795=)

Genes: TTN (titin; minus strand), TTN-AS1 (TTN antisense RNA 1; plus strand). Cytogenetic location: 2q31.2.
Variant type: single nucleotide variant.
Coding change: c.50385T>C on transcript NM_001267550.2 (MANE Select); coding-DNA position 50385, T replaced by C.
Protein change: p.Gly16795=; no amino-acid change (glycine 16795 retained).
Molecular consequence: synonymous variant.
Genome position (GRCh38, 1-based): chr2:178,611,924, A>G on the plus strand (T>C on the coding strand, the complement: TTN is on the minus strand). VCF-style: chr2-178611924-A-G. GRCh37 (hg19) VCF-style: chr2-179476651-A-G.
Other names: c.45462T>C, p.Gly15154= (NM_001256850.1); c.42681T>C, p.Gly14227= (NM_133378.4); c.23190T>C, p.Gly7730= (NM_003319.4); c.23565T>C, p.Gly7855= (NM_133432.3); c.23766T>C, p.Gly7922= (NM_133437.4).
Identifiers: ClinVar variation 47043 (VCV000047043.24), dbSNP rs374672630, ClinGen allele CA139841.